The following is an entry in ClinVar:

NM_001164508.2(NEB):c.5345A>C (p.Lys1782Thr)

Gene: NEB (nebulin; minus strand). Cytogenetic location: 2q23.3.
Variant type: single nucleotide variant.
Coding change: c.5345A>C on transcript NM_001164508.2 (MANE Select); coding-DNA position 5345, A replaced by C.
Protein change: p.Lys1782Thr; replaces lysine 1782 with threonine.
Molecular consequence: missense variant.
Genome position (GRCh38, 1-based): chr2:151,664,607, T>G on the plus strand (A>C on the coding strand, the complement: NEB is on the minus strand). VCF-style: chr2-151664607-T-G. GRCh37 (hg19) VCF-style: chr2-152521121-T-G.
Other names: c.5345A>C, p.Lys1782Thr (NM_001164507.2, NM_001271208.2, NM_004543.5); c.5345A>C (NM_004543.4); short protein forms K1782T.
Identifiers: ClinVar variation 2177343 (VCV002177343.3), dbSNP rs1316800622, ClinGen allele CA348811130.

ClinVar aggregate classification (germline): Uncertain significance. Review status: criteria provided, multiple submitters, no conflicts (2 of 4 stars). 2 submissions from 2 submitters: Uncertain significance (2). Last evaluated 2023-08-08.

Conditions:
Nemaline myopathy 2 (NEM2). Also called: Nemaline myopathy 2, autosomal recessive. Identifiers: MedGen C1850569, MONDO:0009725, OMIM 256030.
Inborn genetic diseases. Identifiers: MedGen C0950123, MeSH D030342.

Allele frequency attached by ClinVar (database versions not stated): gnomAD 0.00001; gnomAD exomes 0.00001; TOPMed 0.00001.
gnomAD v4.1: 16 of 1,597,968 alleles (0.001%); highest among the groups gnomAD compares: Non-Finnish European, 0.0014%; no homozygotes.

Submissions (2):

Ambry Genetics
Classification: Uncertain significance for Inborn genetic diseases. Last evaluated: 2023-08-08. Review status: criteria provided, single submitter. Criteria: Ambry Variant Classification Scheme 2023. Collection method: clinical testing. Allele origin: germline.

Labcorp Genetics (formerly Invitae), Labcorp
Classification: Uncertain significance for Nemaline myopathy 2. Last evaluated: 2022-08-06. Review status: criteria provided, single submitter. Criteria: Invitae Variant Classification Sherloc (09022015). Collection method: clinical testing. Allele origin: germline.
Comment: This sequence change replaces lysine, which is basic and polar, with threonine, which is neutral and polar, at codon 1782 of the NEB protein (p.Lys1782Thr). The frequency data for this variant in the population databases is considered unreliable, as metrics indicate poor data quality at this position in the gnomAD database. This variant has not been reported in the literature in individuals affected with NEB-related conditions. Algorithms developed to predict the effect of missense changes on protein structure and function are either unavailable or do not agree on the potential impact of this missense change (SIFT: "Deleterious"; PolyPhen-2: "Not Available"; Align-GVGD: "Class C0"). In summary, the available evidence is currently insufficient to determine the role of this variant in disease. Therefore, it has been classified as a Variant of Uncertain Significance.